The following is an entry in ClinVar:

NM_001130144.3(LTBP3):c.22G>A (p.Ala8Thr)

Gene: LTBP3 (latent transforming growth factor beta binding protein 3; minus strand). Cytogenetic location: 11q13.1.
Variant type: single nucleotide variant.
Coding change: c.22G>A on transcript NM_001130144.3 (MANE Select); coding-DNA position 22, G replaced by A.
Protein change: p.Ala8Thr; replaces alanine 8 with threonine.
Molecular consequence: missense variant. On other transcripts: 5 prime UTR variant (1).
Genome position (GRCh38, 1-based): chr11:65,557,938, C>T on the plus strand (G>A on the coding strand, the complement: LTBP3 is on the minus strand). VCF-style: chr11-65557938-C-T. GRCh37 (hg19) VCF-style: chr11-65325409-C-T.
Other names: c.-326G>A (NM_001164266.1); c.22G>A, p.Ala8Thr (NM_021070.4); short protein forms A8T.
Identifiers: ClinVar variation 1520202 (VCV001520202.8), dbSNP rs1856868902, ClinGen allele CA381278846.
Genomic context (GRCh38, chr11:65,557,938, plus strand): 5'-GCAGCAGCGCCAGCAGCCCCGCCGCCCCCGCCCCGCGCATCTCAGGGGCCAGGCCGCCAG[C>T]AGCCCCTCGGGGCCCGGGCATCCGGGGCCGCAGGACCCGGGGGAGGGGGGGCGCGCCCGG-3'
Protein context (NP_001123616.1, residues 1-18): MPGPRGA[Ala8Thr]GGLAPEMRGA

ClinVar aggregate classification (germline): Uncertain significance. Review status: criteria provided, multiple submitters, no conflicts (2 of 4 stars). 2 submissions from 2 submitters: Uncertain significance (2). Last evaluated 2025-09-10.

Conditions:
Brachyolmia-amelogenesis imperfecta syndrome. Also called: Tooth agenesis, selective, 6; Dental anomalies and short stature; PLATYSPONDYLY WITH AMELOGENESIS IMPERFECTA. Identifiers: Orphanet 2899, MedGen C1832594, MONDO:0011018, OMIM 601216. Disease mechanism: loss of function.
Inborn genetic diseases. Identifiers: MedGen C0950123, MeSH D030342.

Allele frequency attached by ClinVar (database versions not stated): gnomAD exomes below 0.00001; TOPMed below 0.00001; gnomAD 0.00001.
gnomAD v4.1: 4 of 1,208,194 alleles (0.00033%); highest among the groups gnomAD compares: Non-Finnish European, 0.00041%; no homozygotes.

Submissions (2):

Labcorp Genetics (formerly Invitae), Labcorp
Classification: Uncertain significance for Brachyolmia-amelogenesis imperfecta syndrome. Last evaluated: 2025-09-10. Review status: criteria provided, single submitter. Criteria: Invitae Variant Classification Sherloc (09022015). Collection method: clinical testing. Allele origin: germline.
Comment: This sequence change replaces alanine, which is neutral and non-polar, with threonine, which is neutral and polar, at codon 8 of the LTBP3 protein (p.Ala8Thr). This variant is not present in population databases (gnomAD no frequency). This variant has not been reported in the literature in individuals affected with LTBP3-related conditions. ClinVar contains an entry for this variant (Variation ID: 1520202). An algorithm developed to predict the effect of missense changes on protein structure and function outputs the following: PolyPhen-2: "Not Available". The threonine amino acid residue is found in multiple mammalian species, which suggests that this missense change does not adversely affect protein function. In summary, the available evidence is currently insufficient to determine the role of this variant in disease. Therefore, it has been classified as a Variant of Uncertain Significance.

Ambry Genetics
Classification: Uncertain significance for Inborn genetic diseases. Last evaluated: 2022-01-10. Review status: criteria provided, single submitter. Criteria: Ambry Variant Classification Scheme 2023. Collection method: clinical testing. Allele origin: germline.
Comment: The p.A8T variant (also known as c.22G>A), located in coding exon 1 of the LTBP3 gene, results from a G to A substitution at nucleotide position 22. The alanine at codon 8 is replaced by threonine, an amino acid with similar properties. This amino acid position is conserved. In addition, this alteration is predicted to be tolerated by in silico analysis. Since supporting evidence is limited at this time, the clinical significance of this alteration remains unclear.